The following is an entry in ClinVar:

ClinVar aggregate classification (germline): Uncertain significance. Review status: reviewed by expert panel (3 of 4 stars). 9 submissions from 9 submitters: Uncertain significance (1). 8 of the submissions do not count toward it. Last evaluated 2026-10-29.

Conditions:
BRCA2-related cancer predisposition. Identifiers: MedGen CN377758, MONDO:0700269.
Hereditary cancer-predisposing syndrome. Also called: Neoplastic Syndromes, Hereditary; Hereditary Cancer Syndrome; Tumor predisposition; Hereditary neoplastic syndrome. Identifiers: Orphanet 140162, MedGen C0027672, MeSH D009386, MONDO:0015356.
Hereditary breast ovarian cancer syndrome. Also called: BRCA1- and BRCA2-Associated Hereditary Breast and Ovarian Cancer; Hereditary breast and ovarian cancer syndrome (HBOC); Hereditary breast and ovarian cancer syndrome; Hereditary breast and ovarian cancer; Hereditary breast and/or ovarian cancer syndrome; Breast and ovarian cancer. Identifiers: Orphanet 145, MedGen C0677776, MeSH D061325, MONDO:0003582. Disease mechanism: loss of function.
Breast-ovarian cancer, familial, susceptibility to, 2 (BROVCA2). Also called: BRCA2 Hereditary Breast and Ovarian Cancer. Identifiers: Orphanet 145, MedGen C2675520, MONDO:0012933, OMIM 612555. Disease mechanism: loss of function.

Submissions (9):

ClinGen ENIGMA BRCA1 and BRCA2 Variant Curation Expert Panel, ClinGen
Classification: Uncertain significance for BRCA2-related cancer predisposition. Last evaluated: 2026-10-29. Review status: reviewed by expert panel. Criteria: CSpec BRCA1/2ACMG Rules Specifications V1.2. Collection method: curation. Allele origin: germline. Inheritance: Autosomal dominant inheritance.
Comment: The c.7977-4_7977-3del variant is an intronic variant occurring in intron 17 of the BRCA2 gene. This deletion variant was not observed in gnomAD v4.1, but PM2_Supporting was not applied since recall is considered suboptimal for this type of variant (PM2_Supporting not met). This BRCA2 intronic variant is outside of the native donor and acceptor 1,2 splice sites, and has a SpliceAI score of 0.05 predicting no impact on splicing (score threshold <0.10). This variant lies within the +7/−21 intronic region (BP4 met, BP7 not met). RT-PCRseq using patient mRNA demonstrated that the variant impacts splicing by skipping of E18 and E17_E18 (both out-of-frame), without allele-specific quantitation. The percent of aberrant transcripts produced was 35-40% and 5-10% (~45%) respectively. This was notably lower than the positive control variant c.7977-1G>C, which produced the same transcripts at ~70% (Ambry internal data). The VCEP interprets these results as showing an incomplete effect. An additional assay reported no impact on splicing, however the technical quality could not be adequately assessed (PMID: 16619214). Appropriate code strength determined by comparison with the rubric for weighting of mRNA data for variants outside of the donor/acceptor ±1,2 positions, according to assay methodology and proportion of functional transcript retained, PVS1_N/A (RNA). Multifactorial likelihood ratio analysis using clinically calibrated data produced a combined LR for this variant of 0.93 (based on Family History LR=0.93), which is above the ENIGMA BRCA1/2 VCEP threshold for BP5 (>0.48) and below PP4 (<2.08) (BP5 and PP4 not met; PMID: 31853058). In summary, this variant meets the criteria to be classified as a Variant of uncertain significance for BRCA2-related cancer predisposition based on the ACMG/AMP criteria applied as specified by the ENIGMA BRCA1/2 VCEP (BP4, PVS1_N/A (RNA)).

Myriad Genetics, Inc.
Classification: Likely benign for Breast-ovarian cancer, familial, susceptibility to, 2. Last evaluated: 2026-04-21. Review status: criteria provided, single submitter. Criteria: Myriad Autosomal Dominant, Autosomal Recessive and X-Linked Classification Criteria (2023). Collection method: clinical testing. Allele origin: unknown. Not counted in ClinVar's aggregate classification.
Comment: This variant is considered likely benign. This variant is intronic and is not expected to impact mRNA splicing. This variant is strongly associated with less severe personal and family histories of cancer, typical for individuals without pathogenic variants in this gene [PMID: 25085752].

Labcorp Genetics (formerly Invitae), Labcorp
Classification: Uncertain significance for Hereditary breast ovarian cancer syndrome. Last evaluated: 2025-02-18. Review status: criteria provided, single submitter. Criteria: Invitae Variant Classification Sherloc (09022015). Collection method: clinical testing. Allele origin: germline. Not counted in ClinVar's aggregate classification.
Comment: This sequence change falls in intron 17 of the BRCA2 gene. It does not directly change the encoded amino acid sequence of the BRCA2 protein. It affects a nucleotide within the consensus splice site. This variant is not present in population databases (gnomAD no frequency). This variant has been observed in individual(s) with personal and family history of breast cancer and/or ovarian cancer (PMID: 16619214). ClinVar contains an entry for this variant (Variation ID: 232794). Variants that disrupt the consensus splice site are a relatively common cause of aberrant splicing (PMID: 17576681, 9536098). Studies have shown that this variant is associated with inconclusive levels of altered splicing (PMID: 16619214; internal data). In summary, the available evidence is currently insufficient to determine the role of this variant in disease. Therefore, it has been classified as a Variant of Uncertain Significance.

Ambry Genetics
Classification: Uncertain significance for Hereditary cancer-predisposing syndrome. Last evaluated: 2025-02-06. Review status: criteria provided, single submitter. Criteria: Ambry Variant Classification Scheme 2023. Collection method: clinical testing. Allele origin: germline. Not counted in ClinVar's aggregate classification.
Comment: The c.7977-4_7977-3delTT intronic variant, located in intron 16 of the BRCA2 gene, results from a deletion of two nucleotides within intron 16 of the BRCA2 gene. These nucleotide positions are well conserved in available vertebrate species. In silico splice site analysis predicts that this alteration will not have any significant effect on splicing. Although this alteration did not have any effect on splicing impact in one study, data were not shown (Chen X et al. Hum. Mutat. 2006 May;27:427-35). Internal RNA studies have demonstrated that this alteration results in a splice defect; the clinical impact of this abnormal splicing is unknown at this time (Ambry internal data). Based on the available evidence, the clinical significance of this variant remains unclear.

All of Us Research Program, National Institutes of Health
Classification: Uncertain significance for BRCA2-related cancer predisposition. Last evaluated: 2024-02-22. Review status: criteria provided, single submitter. Criteria: ACMG Guidelines, 2015. Collection method: clinical testing. Allele origin: germline. Inheritance: Autosomal dominant inheritance. Observed: 1 variant allele, 1 heterozygote. Not counted in ClinVar's aggregate classification.
Comment: This variant causes a deletion of two nucleotides at the -4 and -3 position in intron 17 of the BRCA2 gene. An RNA study using carrier-derived RNA found this variant did not impact splicing (PMID: 16619214). This variant has been reported in individuals affected with early-onset breast cancer, with a family history of breast and ovarian cancer (PMID: 16619214). This variant has not been identified in the general population by the Genome Aggregation Database (gnomAD). The available evidence is insufficient to determine the role of this variant in disease conclusively. Therefore, this variant is classified as a Variant of Uncertain Significance.

This study involves interpretation of variants in research participants for the purpose of population health screening. Participant phenotype was not available at the time of variant classification. Additional details can be found in publication PMID: 35346344, PMCID: PMC8962531

CeGaT Center for Human Genetics Tuebingen
Classification: Uncertain significance. Last evaluated: 2023-05-01. Review status: criteria provided, single submitter. Criteria: CeGaT Center For Human Genetics Tuebingen Variant Classification Criteria Version 2. Collection method: clinical testing. Allele origin: germline. Affected: yes. Observed: 2 variant alleles. Not counted in ClinVar's aggregate classification.
Comment: BRCA2: PM2, BP4

St. Jude Molecular Pathology, St. Jude Children's Research Hospital
Classification: Uncertain significance for Breast-ovarian cancer, familial, susceptibility to, 2. Last evaluated: 2022-10-06. Review status: criteria provided, single submitter. Criteria: St. Jude Assertion Criteria 2020. Collection method: clinical testing. Allele origin: germline. Not counted in ClinVar's aggregate classification.
Comment: The BRCA2 c.7977-4_7977-3del intronic change results from the deletion of two non-conserved nucleotides at position 7944-4 to 7944-3 of intron 17 of the BRCA2 gene. This variant is absent in gnomAD v2.1.1. Algorithms that predict the impact of sequence changes on splicing indicate that this variant does not affect splicing. RNA sequencing studies are not in agreement about the splicing effect of this variant (PMID: 16619214). This variant has been reported in an individual with a personal history of breast cancer and a family history of breast and ovarian cancer (PMID: 16619214). It is absent in a database of women older than 70 years of age who have never had cancer (FLOSSIES). In summary, the evidence currently available is insufficient to determine the clinical significance of this variant. It has therefore been classified as of uncertain significance.

Women's Health and Genetics/Laboratory Corporation of America, LabCorp
Classification: Uncertain significance. Last evaluated: 2019-09-09. Review status: criteria provided, single submitter. Criteria: LabCorp Variant Classification Summary - May 2015. Collection method: clinical testing. Allele origin: germline. Not counted in ClinVar's aggregate classification.
Comment: Variant summary: BRCA2 c.7977-4_7977-3delTT alters a nucleotide located close to a canonical splice site and therefore could affect mRNA splicing, leading to a significantly altered protein sequence. 5/5 computational tools predict no significant impact on normal splicing. Chen_2006 reports this variant has no effect on splicing process. The variant was absent in 248894 control chromosomes (gnomAD). The available data on variant occurrences in the general population are insufficient to allow any conclusion about variant significance. The variant, c.7977-4_7977-3delTT, has been reported in the literature in one proband whose family history of breast and/or ovarian cancer (Chen_2006). The report does not provide unequivocal conclusions about association of the variant with Hereditary Breast and Ovarian Cancer. Co-occurrence with another pathogenic variant has been reported (BRCA2 c.6216delC , p.Leu2073TyrfsX8), providing supporting evidence for a benign role. To our knowledge, no experimental evidence demonstrating an impact on protein function has been reported. Three clinical diagnostic laboratories have submitted clinical-significance assessments for this variant to ClinVar after 2014 without evidence for independent evaluation. All laboratories classified the variant as uncertain significance. Based on the evidence outlined above, the variant was classified as VUS-possibly benign.

Quest Diagnostics Nichols Institute San Juan Capistrano
Classification: Uncertain significance. Last evaluated: 2018-06-01. Review status: criteria provided, single submitter. Criteria: Quest Diagnostics criteria. Collection method: clinical testing. Allele origin: germline. Not counted in ClinVar's aggregate classification.

Literature cited by the submitters: PubMed 25085752 (cited by Myriad Genetics, Inc.); PubMed 16619214 (cited by 3 submitters); PubMed 17576681 (cited by Labcorp Genetics (formerly Invitae), Labcorp); PubMed 9536098 (cited by Labcorp Genetics (formerly Invitae), Labcorp); PubMed 27060066 (cited by Ambry Genetics); PubMed 28339459 (cited by Ambry Genetics); PubMed 29750258 (cited by Women's Health and Genetics/Laboratory Corporation of America, LabCorp).

NM_000059.4(BRCA2):c.7977-4_7977-3del

Gene: BRCA2 (BRCA2 DNA repair associated; plus strand). Cytogenetic location: 13q13.1.
Variant type: Deletion.
Coding change: c.7977-4_7977-3del on transcript NM_000059.4 (MANE Select); 4 bases into the intron before coding-DNA position 7977 through 3 bases into the intron before coding-DNA position 7977, 2 bases deleted (TT; older notation c.7977-4_7977-3delTT).
Molecular consequence: intron variant.
Genome position (GRCh38, 1-based): chr13:32,363,175-32,363,176, TT deleted; deleting any 2 consecutive bases within chr13:32,363,173-32,363,176 gives the same sequence; the c. name uses the placement nearest the transcript's 3' end. VCF-style (leftmost placement, unchanged base first): chr13-32363172-CTT-C. GRCh37 (hg19) VCF-style: chr13-32937309-CTT-C.
Other names: c.7977-4_7977-3delTT (NM_000059.3).
Identifiers: ClinVar variation 232794 (VCV000232794.50), dbSNP rs876659992, ClinGen allele CA10579763.
Genomic context (GRCh38, chr13:32,363,172, plus strand): 5'-ACTTGTTTAAACAGTGGAATTCTAGAGTCACACTTCCTAAAATATGCATTTTTGTTTTCA[CTT>C]TTAGATATGATACGGAAATTGATAGAAGCAGAAGATCGGCTATAAAAAAGATAATGGAAA-3'